The following is an entry in ClinVar:

NM_020433.5(JPH2):c.599T>C (p.Phe200Ser)

Gene: JPH2 (junctophilin 2; minus strand). Cytogenetic location: 20q13.12.
Variant type: single nucleotide variant.
Coding change: c.599T>C on transcript NM_020433.5 (MANE Select); coding-DNA position 599, T replaced by C.
Protein change: p.Phe200Ser; replaces phenylalanine 200 with serine.
Molecular consequence: missense variant.
Genome position (GRCh38, 1-based): chr20:44,160,188, A>G on the plus strand (T>C on the coding strand, the complement: JPH2 is on the minus strand). VCF-style: chr20-44160188-A-G. GRCh37 (hg19) VCF-style: chr20-42788828-A-G.
Other names: short protein forms F200S.
Identifiers: ClinVar variation 1750944 (VCV001750944.2), dbSNP rs2515745052, ClinGen allele CA409094061.

ClinVar aggregate classification (germline): Uncertain significance (1 of 4 stars; one submission).

Conditions:
Cardiovascular phenotype. Identifiers: MedGen CN230736.

Submission:

Ambry Genetics
Classification: Uncertain significance for Cardiovascular phenotype. Last evaluated: 2022-08-08. Review status: criteria provided, single submitter. Criteria: Ambry Variant Classification Scheme 2023. Collection method: clinical testing. Allele origin: germline.
Comment: The p.F200S variant (also known as c.599T>C), located in coding exon 2 of the JPH2 gene, results from a T to C substitution at nucleotide position 599. The phenylalanine at codon 200 is replaced by serine, an amino acid with highly dissimilar properties. This amino acid position is conserved. In addition, the in silico prediction for this alteration is inconclusive. Since supporting evidence is limited at this time, the clinical significance of this alteration remains unclear.